The following is an entry in ClinVar:

NM_020937.4(FANCM):c.874C>T (p.Pro292Ser)

Gene: FANCM (FA complementation group M; plus strand). Cytogenetic location: 14q21.2.
Variant type: single nucleotide variant.
Coding change: c.874C>T on transcript NM_020937.4 (MANE Select); coding-DNA position 874, C replaced by T.
Protein change: p.Pro292Ser; replaces proline 292 with serine.
Molecular consequence: missense variant.
Genome position (GRCh38, 1-based): chr14:45,148,951, C>T. VCF-style: chr14-45148951-C-T. GRCh37 (hg19) VCF-style: chr14-45618154-C-T.
Other names: c.796C>T, p.Pro266Ser (NM_001308133.2); c.874C>T, p.Pro292Ser (NM_001308134.2); short protein forms P266S, P292S.
Identifiers: ClinVar variation 1312640 (VCV001312640.2), dbSNP rs142747831, ClinGen allele CA389590122.

ClinVar aggregate classification (germline): Uncertain significance (1 of 4 stars; one submission).

gnomAD v4.1: 18 of 1,613,794 alleles (0.0011%); highest among the groups gnomAD compares: Non-Finnish European, 0.0015%; no homozygotes.

Submission:

GeneDx
Classification: Uncertain significance. Last evaluated: 2020-04-29. Review status: criteria provided, single submitter. Criteria: GeneDx Variant Classification Process June 2021. Collection method: clinical testing. Allele origin: germline. Affected: yes.
Comment: Not observed at a significant frequency in large population cohorts (Lek 2016); In silico analysis supports that this missense variant has a deleterious effect on protein structure/function; Observed in individuals with ovarian cancer (Dicks 2017); This variant is associated with the following publications: (PMID: 28881617)